The following is an entry in ClinVar:

ClinVar aggregate classification (germline): Pathogenic. Review status: criteria provided, single submitter (1 of 4 stars). 2 submissions from 2 submitters: Pathogenic (1). 1 of the submissions does not count toward it. Last evaluated 2026-06-04.

Conditions:
Sandestig-stefanova syndrome. Identifiers: MedGen C5394118, MONDO:0032926, OMIM 618804.

Submissions (2):

Women's Health and Genetics/Laboratory Corporation of America, LabCorp
Classification: Pathogenic for Sandestig-stefanova syndrome. Last evaluated: 2026-06-04. Review status: criteria provided, single submitter. Criteria: LabCorp Variant Classification Summary - May 2015. Collection method: clinical testing. Allele origin: germline.
Comment: Variant summary: NUP188 c.904_907delATTT (p.Ile302ValfsX7) results in a premature termination codon, predicted to cause a truncation of the encoded protein or absence of the protein due to nonsense mediated decay, which are commonly known mechanisms for disease. The variant allele was found at a frequency of 2.5e-05 in 199454 control chromosomes. c.904_907delATTT has been observed in individuals affected with NUP188-related conditions (e.g., Muir_2020). These data indicate that the variant may be associated with disease. The following publication has been ascertained in the context of this evaluation (PMID: 32275884). ClinVar contains an entry for this variant (Variation ID: 918007). Based on the evidence outlined above, the variant was classified as pathogenic.

OMIM
Classification: Pathogenic for SANDESTIG-STEFANOVA SYNDROME. Last evaluated: 2020-06-16. Review status: no assertion criteria provided. Collection method: literature only. Allele origin: germline. Not counted in ClinVar's aggregate classification.

Literature cited by the submitters: PubMed 32275884 (cited by Women's Health and Genetics/Laboratory Corporation of America, LabCorp and OMIM).

NM_015354.3(NUP188):c.904_907del (p.Ile302fs)

Gene: NUP188 (nucleoporin 188; plus strand). Cytogenetic location: 9q34.11.
Variant type: Deletion.
Coding change: c.904_907del on transcript NM_015354.3 (MANE Select); coding-DNA positions 904 to 907, 4 bases deleted (ATTT; older notation c.904_907delATTT).
Protein change: p.Ile302fs; shifts the reading frame from isoleucine 302.
Molecular consequence: frameshift variant.
Genome position (GRCh38, 1-based): chr9:128,969,506-128,969,509, ATTT deleted; deleting any 4 consecutive bases within chr9:128,969,504-128,969,509 gives the same sequence; the c. name uses the placement nearest the transcript's 3' end. VCF-style (leftmost placement, unchanged base first): chr9-128969503-CTTAT-C. GRCh37 (hg19) VCF-style: chr9-131731782-CTTAT-C.
Other names: 4-BP DEL, 904ATTT; c.904_907delATTT (NM_015354.3); short protein forms I302fs.
Identifiers: ClinVar variation 918007 (VCV000918007.2), dbSNP rs780594725, ClinGen allele CA5272143.